The following is an entry in ClinVar:

ClinVar aggregate classification (germline): Uncertain significance. Review status: criteria provided, multiple submitters, no conflicts (2 of 4 stars). 2 submissions from 2 submitters: Uncertain significance (2). Last evaluated 2025-05-01.

Conditions:
Inborn genetic diseases. Identifiers: MedGen C0950123, MeSH D030342.
Curry-Hall syndrome (WAD). Also called: WEYERS ACRODENTAL DYSOSTOSIS. Identifiers: Orphanet 952, MedGen C0457013, MONDO:0008673, OMIM 193530.
Ellis-van Creveld syndrome (EVC). Also called: MESOECTODERMAL DYSPLASIA; EVC-Related Ellis-van Creveld Syndrome; EVC2-Related Ellis-van Creveld Syndrome; Chondroectodermal dysplasia. Identifiers: Orphanet 289, MedGen C0013903, MONDO:0009162, OMIM 225500.

Allele frequency attached by ClinVar (database versions not stated): TOPMed below 0.00001; gnomAD exomes 0.00002; ExAC 0.00004.
gnomAD v4.1: 22 of 1,610,780 alleles (0.0014%); highest among the groups gnomAD compares: South Asian, 0.015%; no homozygotes.

Submissions (2):

Ambry Genetics
Classification: Uncertain significance for Inborn genetic diseases. Last evaluated: 2025-05-01. Review status: criteria provided, single submitter. Criteria: Ambry Variant Classification Scheme 2023. Collection method: clinical testing. Allele origin: germline.

Labcorp Genetics (formerly Invitae), Labcorp
Classification: Uncertain significance for Curry-Hall syndrome; Ellis-van Creveld syndrome. Last evaluated: 2022-07-19. Review status: criteria provided, single submitter. Criteria: Invitae Variant Classification Sherloc (09022015). Collection method: clinical testing. Allele origin: germline.
Comment: This sequence change replaces isoleucine, which is neutral and non-polar, with threonine, which is neutral and polar, at codon 744 of the EVC protein (p.Ile744Thr). This variant is present in population databases (rs778342193, gnomAD 0.006%). This variant has not been reported in the literature in individuals affected with EVC-related conditions. Algorithms developed to predict the effect of missense changes on protein structure and function are either unavailable or do not agree on the potential impact of this missense change (SIFT: "Deleterious"; PolyPhen-2: "Possibly Damaging"; Align-GVGD: "Class C0"). In summary, the available evidence is currently insufficient to determine the role of this variant in disease. Therefore, it has been classified as a Variant of Uncertain Significance.

NM_153717.3(EVC):c.2231T>C (p.Ile744Thr)

Gene: EVC (EvC ciliary complex subunit 1; plus strand). Cytogenetic location: 4p16.2.
Variant type: single nucleotide variant.
Coding change: c.2231T>C on transcript NM_153717.3 (MANE Select); coding-DNA position 2231, T replaced by C.
Protein change: p.Ile744Thr; replaces isoleucine 744 with threonine.
Molecular consequence: missense variant.
Genome position (GRCh38, 1-based): chr4:5,798,719, T>C. VCF-style: chr4-5798719-T-C. GRCh37 (hg19) VCF-style: chr4-5800446-T-C.
Other names: c.2231T>C, p.Ile744Thr (NM_001306090.2); c.2231T>C (NM_153717.2); short protein forms I744T.
Identifiers: ClinVar variation 2139256 (VCV002139256.2), dbSNP rs778342193, ClinGen allele CA2836420.